The following is an entry in ClinVar:

NM_000051.4(ATM):c.9095_9121del (p.Val3032_Ile3040del)

Genes: ATM (ATM serine/threonine kinase; plus strand), C11orf65 (chromosome 11 open reading frame 65; minus strand). Cytogenetic location: 11q22.3.
Variant type: Deletion.
Coding change: c.9095_9121del on transcript NM_000051.4 (MANE Select); coding-DNA positions 9095 to 9121, 27 bases deleted (TGAATTTGCTCATACAGCAGGCCATAG).
Protein change: p.Val3032_Ile3040del.
Molecular consequence: inframe deletion. On other transcripts: inframe indel (1), intron variant (2).
Genome position (GRCh38, 1-based): chr11:108,365,432-108,365,458, TGAATTTGCTCATACAGCAGGCCATAG deleted; deleting any 27 consecutive bases within chr11:108,365,430-108,365,458 gives the same sequence; the c. name uses the placement nearest the transcript's 3' end. VCF-style (leftmost placement, unchanged base first): chr11-108365429-AAGTGAATTTGCTCATACAGCAGGCCAT-A. GRCh37 (hg19) VCF-style: chr11-108236156-AAGTGAATTTGCTCATACAGCAGGCCAT-A.
Other names: c.9095_9121del27, p.Val3032_Ile3040del (NM_000051.3); c.9095_9121del, p.Val3032_Ile3040del (NM_001351834.2); c.640+20464_640+20490del (NM_001330368.2); c.694+20464_694+20490del (NM_001351110.2).
Identifiers: ClinVar variation 938416 (VCV000938416.11), dbSNP rs2091250755, ClinGen allele CA1139662289.
Genomic context (GRCh38, chr11:108,365,429, plus strand): 5'-TGAGACTACAAGAGAAACTGAAAGGAGTGGAAGAAGGCACTGTGCTCAGTGTTGGTGGAC[AAGTGAATTTGCTCATACAGCAGGCCAT>A]AGACCCCAAAAATCTCAGCCGACTTTTCCCAGGATGGAAAGCTTGGGTGTGATCTTCAGT-3'

ClinVar aggregate classification (germline): Uncertain significance (1 of 4 stars; one submission).

Conditions:
Ataxia-telangiectasia syndrome (AT). Also called: Ataxia-telangiectasia, complementation group D; AT, COMPLEMENTATION GROUP C; ATAXIA-TELANGIECTASIA, COMPLEMENTATION GROUP A; ATAXIA-TELANGIECTASIA, FRESNO VARIANT; Ataxia-telangiectasia; Ataxia telangiectasia (A-T). Identifiers: Orphanet 100, MedGen C0004135, MONDO:0008840, OMIM 208900.

Submission:

Labcorp Genetics (formerly Invitae), Labcorp
Classification: Uncertain significance for Ataxia-telangiectasia syndrome. Last evaluated: 2025-08-25. Review status: criteria provided, single submitter. Criteria: Invitae Variant Classification Sherloc (09022015). Collection method: clinical testing. Allele origin: germline.
Comment: This variant, c.9095_9121del, results in the deletion of 9 amino acid(s) of the ATM protein (p.Val3032_Ile3040del), but otherwise preserves the integrity of the reading frame. This variant is not present in population databases (gnomAD no frequency). This variant has not been reported in the literature in individuals affected with ATM-related conditions. ClinVar contains an entry for this variant (Variation ID: 938416). Experimental studies and prediction algorithms are not available or were not evaluated, and the functional significance of this variant is currently unknown. In summary, the available evidence is currently insufficient to determine the role of this variant in disease. Therefore, it has been classified as a Variant of Uncertain Significance.